The following is an entry in ClinVar:

NM_001267550.2(TTN):c.103777A>C (p.Lys34593Gln)

Genes: TTN-AS1 (TTN antisense RNA 1; plus strand), TTN (titin; minus strand). Cytogenetic location: 2q31.2.
Variant type: single nucleotide variant.
Coding change: c.103777A>C on transcript NM_001267550.2 (MANE Select); coding-DNA position 103777, A replaced by C.
Protein change: p.Lys34593Gln; replaces lysine 34593 with glutamine.
Molecular consequence: missense variant.
Genome position (GRCh38, 1-based): chr2:178,532,838, T>G on the plus strand (A>C on the coding strand, the complement: TTN is on the minus strand). VCF-style: chr2-178532838-T-G. GRCh37 (hg19) VCF-style: chr2-179397565-T-G.
Other names: c.98854A>C, p.Lys32952Gln (NM_001256850.1); c.76582A>C, p.Lys25528Gln (NM_003319.4); c.96073A>C, p.Lys32025Gln (NM_133378.4); c.76957A>C, p.Lys25653Gln (NM_133432.3); c.77158A>C, p.Lys25720Gln (NM_133437.4); short protein forms K25528Q, K25653Q, K25720Q, K32025Q, K32952Q, K34593Q.
Identifiers: ClinVar variation 1015481 (VCV001015481.11), dbSNP rs1689768170, ClinGen allele CA349413533.

ClinVar aggregate classification (germline): Uncertain significance. Review status: criteria provided, multiple submitters, no conflicts (2 of 4 stars). 2 submissions from 2 submitters: Uncertain significance (2). Last evaluated 2022-07-06.

Conditions:
Dilated cardiomyopathy 1G (CMD1G). Identifiers: Orphanet 154, MedGen C1858763, MONDO:0011400, OMIM 604145.
Autosomal recessive limb-girdle muscular dystrophy type 2J (LGMDR10). Also called: Limb-girdle muscular dystrophy, type 2J; MUSCULAR DYSTROPHY, LIMB-GIRDLE, AUTOSOMAL RECESSIVE 10. Identifiers: Orphanet 140922, MedGen C1837342, MONDO:0012127, OMIM 608807.

Submissions (2):

Labcorp Genetics (formerly Invitae), Labcorp
Classification: Uncertain significance for Dilated cardiomyopathy 1G; Autosomal recessive limb-girdle muscular dystrophy type 2J. Last evaluated: 2022-07-06. Review status: criteria provided, single submitter. Criteria: Invitae Variant Classification Sherloc (09022015). Collection method: clinical testing. Allele origin: germline.
Comment: In summary, the available evidence is currently insufficient to determine the role of this variant in disease. Therefore, it has been classified as a Variant of Uncertain Significance. This variant is located in the M band of TTN (PMID: 25589632). Variants in this region may be relevant for neuromuscular disorders, but have not been definitively shown to cause cardiomyopathy (PMID: 23975875). Experimental studies and prediction algorithms are not available or were not evaluated, and the functional significance of this variant is currently unknown. ClinVar contains an entry for this variant (Variation ID: 1015481). This variant has not been reported in the literature in individuals affected with TTN-related conditions. This variant is not present in population databases (gnomAD no frequency). This sequence change replaces lysine, which is basic and polar, with glutamine, which is neutral and polar, at codon 34593 of the TTN protein (p.Lys34593Gln).

Revvity Omics, Revvity
Classification: Uncertain significance. Last evaluated: 2021-05-03. Review status: criteria provided, single submitter. Criteria: ACMG Guidelines, 2015. Collection method: clinical testing. Allele origin: germline.

Literature cited by the submitters: PubMed 25589632 (cited by Labcorp Genetics (formerly Invitae), Labcorp); PubMed 23975875 (cited by Labcorp Genetics (formerly Invitae), Labcorp).